The following is an entry in ClinVar:

ClinVar aggregate classification (germline): Uncertain significance. Review status: criteria provided, multiple submitters, no conflicts (2 of 4 stars). 5 submissions from 5 submitters: Uncertain significance (5). Last evaluated 2025-02-02.

Conditions:
Classic or attenuated familial adenomatous polyposis. Identifiers: MedGen CN372698, MONDO:0021057.
Familial adenomatous polyposis 1 (FAP1). Also called: FAMILIAL ADENOMATOUS POLYPOSIS 1, ATTENUATED; POLYPOSIS, ADENOMATOUS INTESTINAL. Identifiers: MedGen C2713442, MONDO:0021056, OMIM 175100. Disease mechanism: loss of function.
Hereditary cancer-predisposing syndrome. Also called: Neoplastic Syndromes, Hereditary; Tumor predisposition; Hereditary Cancer Syndrome; Hereditary neoplastic syndrome. Identifiers: Orphanet 140162, MedGen C0027672, MeSH D009386, MONDO:0015356.

Submissions (5):

Labcorp Genetics (formerly Invitae), Labcorp
Classification: Uncertain significance for Familial adenomatous polyposis 1. Last evaluated: 2025-02-02. Review status: criteria provided, single submitter. Criteria: Invitae Variant Classification Sherloc (09022015). Collection method: clinical testing. Allele origin: germline.
Comment: This sequence change replaces glutamic acid, which is acidic and polar, with alanine, which is neutral and non-polar, at codon 2463 of the APC protein (p.Glu2463Ala). This variant is not present in population databases (gnomAD no frequency). This variant has not been reported in the literature in individuals affected with APC-related conditions. ClinVar contains an entry for this variant (Variation ID: 233086). Invitae Evidence Modeling of protein sequence and biophysical properties (such as structural, functional, and spatial information, amino acid conservation, physicochemical variation, residue mobility, and thermodynamic stability) indicates that this missense variant is not expected to disrupt APC protein function with a negative predictive value of 95%. In summary, the available evidence is currently insufficient to determine the role of this variant in disease. Therefore, it has been classified as a Variant of Uncertain Significance.

Baylor Genetics
Classification: Uncertain significance for Familial adenomatous polyposis 1. Last evaluated: 2024-03-04. Review status: criteria provided, single submitter. Criteria: ACMG Guidelines, 2015. Collection method: clinical testing. Allele origin: unknown.

Ambry Genetics
Classification: Uncertain significance for Hereditary cancer-predisposing syndrome. Last evaluated: 2024-03-03. Review status: criteria provided, single submitter. Criteria: Ambry Variant Classification Scheme 2023. Collection method: clinical testing. Allele origin: germline.
Comment: The p.E2463A variant (also known as c.7388A>C), located in coding exon 15 of the APC gene, results from an A to C substitution at nucleotide position 7388. The glutamic acid at codon 2463 is replaced by alanine, an amino acid with dissimilar properties. This amino acid position is highly conserved in available vertebrate species. In addition, in silico predictors for this gene do not accurately predict pathogenicity. Since supporting evidence is limited at this time, the clinical significance of this alteration remains unclear.

All of Us Research Program, National Institutes of Health
Classification: Uncertain significance for Classic or attenuated familial adenomatous polyposis. Last evaluated: 2024-02-05. Review status: criteria provided, single submitter. Criteria: ACMG Guidelines, 2015. Collection method: clinical testing. Allele origin: germline. Inheritance: Autosomal dominant inheritance. Observed: 1 variant allele, 1 heterozygote.
Comment: This missense variant replaces glutamic acid with alanine at codon 2463 of the APC protein. Computational prediction is inconclusive regarding the impact of this variant on protein structure and function (internally defined REVEL score threshold 0.5 < inconclusive < 0.7, PMID: 27666373). To our knowledge, functional studies have not been reported for this variant. This variant has not been reported in individuals affected with APC-related disorders in the literature. This variant has not been identified in the general population by the Genome Aggregation Database (gnomAD). The available evidence is insufficient to determine the role of this variant in disease conclusively. Therefore, this variant is classified as a Variant of Uncertain Significance.

This study involves interpretation of variants in research participants for the purpose of population health screening. Participant phenotype was not available at the time of variant classification. Additional details can be found in publication PMID: 35346344, PMCID: PMC8962531

Color Diagnostics, LLC DBA Color Health
Classification: Uncertain significance for Hereditary cancer-predisposing syndrome. Last evaluated: 2024-01-25. Review status: criteria provided, single submitter. Criteria: ACMG Guidelines, 2015. Collection method: clinical testing. Allele origin: germline.
Comment: This missense variant replaces glutamic acid with alanine at codon 2463 of the APC protein. Computational prediction is inconclusive regarding the impact of this variant on protein structure and function. To our knowledge, functional studies have not been reported for this variant. This variant has not been reported in individuals affected with APC-related disorders in the literature. This variant has not been identified in the general population by the Genome Aggregation Database (gnomAD). The available evidence is insufficient to determine the role of this variant in disease conclusively. Therefore, this variant is classified as a Variant of Uncertain Significance.

NM_000038.6(APC):c.7388A>C (p.Glu2463Ala)

Gene: APC (APC regulator of Wnt signaling pathway; plus strand). Cytogenetic location: 5q22.2.
Variant type: single nucleotide variant.
Coding change: c.7388A>C on transcript NM_000038.6 (MANE Select); coding-DNA position 7388, A replaced by C.
Protein change: p.Glu2463Ala; replaces glutamic acid 2463 with alanine.
Molecular consequence: missense variant.
Genome position (GRCh38, 1-based): chr5:112,842,982, A>C. VCF-style: chr5-112842982-A-C. GRCh37 (hg19) VCF-style: chr5-112178679-A-C.
Other names: c.7388A>C, p.Glu2463Ala (NM_001127510.3, NM_001354895.2); c.7334A>C, p.Glu2445Ala (NM_001127511.3); c.7442A>C, p.Glu2481Ala (NM_001354896.2); c.7418A>C, p.Glu2473Ala (NM_001354897.2); c.7313A>C, p.Glu2438Ala (NM_001354898.2); c.7304A>C, p.Glu2435Ala (NM_001354899.2); c.7265A>C, p.Glu2422Ala (NM_001354900.2); c.7211A>C, p.Glu2404Ala (NM_001354901.2); and 5 more; short protein forms E2445A, E2463A, E2303A, E2438A, E2180A, E2337A, E2372A, E2404A.
Identifiers: ClinVar variation 233086 (VCV000233086.17), dbSNP rs876660182, ClinGen allele CA10578442.
Genomic context (GRCh38, chr5:112,842,982, plus strand): 5'-TCATCAAAGAAGCTCCAAGCCCAACCTTAAGAAGAAAATTGGAGGAATCTGCTTCATTTG[A>C]ATCTCTTTCTCCATCATCTAGACCAGCTTCTCCCACTAGGTCCCAGGCACAAACTCCAGT-3'
Protein context (NP_000029.2, residues 2453-2473): RRKLEESASF[Glu2463Ala]SLSPSSRPAS